The following is an entry in ClinVar:

ClinVar aggregate classification (germline): Uncertain significance. Review status: criteria provided, multiple submitters, no conflicts (2 of 4 stars). 2 submissions from 2 submitters: Uncertain significance (2). Last evaluated 2025-08-10.

Conditions:
Inborn genetic diseases. Identifiers: MedGen C0950123, MeSH D030342.
Hepatic methionine adenosyltransferase deficiency. Also called: MAT I/III DEFICIENCY; Methionine adenosyltransferase deficiency; Isolated Persistent Hypermethioninemia; Deficiency of methionine adenosyltransferase. Identifiers: Orphanet 168598, MedGen C0268621, MeSH C564683, MONDO:0009607, OMIM 250850.

Allele frequency attached by ClinVar (database versions not stated): gnomAD exomes 0.00001; TOPMed 0.00004; gnomAD 0.00005; ESP Exome Variant Server 0.00008.
gnomAD v4.1: 12 of 1,613,696 alleles (0.00074%); highest among the groups gnomAD compares: African/African-American, 0.015%; no homozygotes.

Submissions (2):

Ambry Genetics
Classification: Uncertain significance for Inborn genetic diseases. Last evaluated: 2025-08-10. Review status: criteria provided, single submitter. Criteria: Ambry Variant Classification Scheme 2023. Collection method: clinical testing. Allele origin: germline.

Labcorp Genetics (formerly Invitae), Labcorp
Classification: Uncertain significance for Hepatic methionine adenosyltransferase deficiency. Last evaluated: 2023-03-19. Review status: criteria provided, single submitter. Criteria: Invitae Variant Classification Sherloc (09022015). Collection method: clinical testing. Allele origin: germline.
Comment: In summary, the available evidence is currently insufficient to determine the role of this variant in disease. Therefore, it has been classified as a Variant of Uncertain Significance. This sequence change replaces valine, which is neutral and non-polar, with methionine, which is neutral and non-polar, at codon 198 of the MAT1A protein (p.Val198Met). This variant is present in population databases (rs374844302, gnomAD 0.008%). This variant has not been reported in the literature in individuals affected with MAT1A-related conditions. Advanced modeling of protein sequence and biophysical properties (such as structural, functional, and spatial information, amino acid conservation, physicochemical variation, residue mobility, and thermodynamic stability) performed at Invitae indicates that this missense variant is not expected to disrupt MAT1A protein function.

NM_000429.3(MAT1A):c.592G>A (p.Val198Met)

Gene: MAT1A (methionine adenosyltransferase 1A; minus strand). Cytogenetic location: 10q22.3.
Variant type: single nucleotide variant.
Coding change: c.592G>A on transcript NM_000429.3 (MANE Select); coding-DNA position 592, G replaced by A.
Protein change: p.Val198Met; replaces valine 198 with methionine.
Molecular consequence: missense variant.
Genome position (GRCh38, 1-based): chr10:80,276,552, C>T on the plus strand (G>A on the coding strand, the complement: MAT1A is on the minus strand). VCF-style: chr10-80276552-C-T. GRCh37 (hg19) VCF-style: chr10-82036308-C-T.
Other names: c.592G>A (NM_000429.2); short protein forms V198M.
Identifiers: ClinVar variation 2903299 (VCV002903299.4), dbSNP rs374844302, ClinGen allele CA210323887.